The following is an entry in ClinVar:

ClinVar aggregate classification (germline): Conflicting classifications of pathogenicity. Review status: criteria provided, conflicting classifications (1 of 4 stars). 2 submissions from 2 submitters: Uncertain significance (1); Likely benign (1). Last evaluated 2023-08-14.

Allele frequency attached by ClinVar (database versions not stated): gnomAD exomes below 0.00001; ExAC 0.00001; TOPMed 0.00001.

Submissions (2):

Labcorp Genetics (formerly Invitae), Labcorp
Classification: Likely benign. Last evaluated: 2023-08-14. Review status: criteria provided, single submitter. Criteria: Invitae Variant Classification Sherloc (09022015). Collection method: clinical testing. Allele origin: germline.

GeneDx
Classification: Uncertain significance. Last evaluated: 2019-08-07. Review status: criteria provided, single submitter. Criteria: GeneDx Variant Classification Process June 2021. Collection method: clinical testing. Allele origin: germline. Affected: yes.
Comment: Has not been previously published as pathogenic or benign to our knowledge; Not observed at a significant frequency in large population cohorts (Lek et al., 2016); In silico analysis, which includes protein predictors and evolutionary conservation, supports that this variant does not alter protein structure/function

NM_001854.4(COL11A1):c.2003T>C (p.Met668Thr)

Gene: COL11A1 (collagen type XI alpha 1 chain; minus strand). Cytogenetic location: 1p21.1.
Variant type: single nucleotide variant.
Coding change: c.2003T>C on transcript NM_001854.4 (MANE Select); coding-DNA position 2003, T replaced by C.
Protein change: p.Met668Thr; replaces methionine 668 with threonine.
Molecular consequence: missense variant. On other transcripts: non-coding transcript variant (1).
Genome position (GRCh38, 1-based): chr1:103,002,787, A>G on the plus strand (T>C on the coding strand, the complement: COL11A1 is on the minus strand). VCF-style: chr1-103002787-A-G. GRCh37 (hg19) VCF-style: chr1-103468343-A-G.
Other names: c.1886T>C, p.Met629Thr (NM_001190709.2); c.2039T>C, p.Met680Thr (NM_080629.3); c.1655T>C, p.Met552Thr (NM_080630.4); short protein forms M552T, M629T, M668T, M680T.
Identifiers: ClinVar variation 1307762 (VCV001307762.5), dbSNP rs767790003, ClinGen allele CA974694.